The following is an entry in ClinVar:

ClinVar aggregate classification (germline): Uncertain significance (1 of 4 stars; one submission).

Submission:

CeGaT Center for Human Genetics Tuebingen
Classification: Uncertain significance. Last evaluated: 2026-08-01. Review status: criteria provided, single submitter. Criteria: CeGaT Center For Human Genetics Tuebingen Variant Classification Criteria Version 2. Collection method: clinical testing. Allele origin: germline. Affected: yes. Observed: 1 variant allele.
Comment: KMT2A: PM2

NM_001197104.2(KMT2A):c.10032G>C (p.Leu3344Phe)

Gene: KMT2A (lysine methyltransferase 2A; plus strand). Cytogenetic location: 11q23.3.
Variant type: single nucleotide variant.
Coding change: c.10032G>C on transcript NM_001197104.2 (MANE Select); coding-DNA position 10032, G replaced by C.
Protein change: p.Leu3344Phe; replaces leucine 3344 with phenylalanine.
Molecular consequence: missense variant.
Genome position (GRCh38, 1-based): chr11:118,505,924, G>C. VCF-style: chr11-118505924-G-C. GRCh37 (hg19) VCF-style: chr11-118376639-G-C.
Other names: c.10122G>C, p.Leu3374Phe (NM_001412597.1); c.10023G>C, p.Leu3341Phe (NM_005933.4); short protein forms L3341F, L3344F, L3374F.
Identifiers: ClinVar variation 5039146 (VCV005039146.1).